The following is an entry in ClinVar:

ClinVar aggregate classification (germline): Uncertain significance. Review status: criteria provided, multiple submitters, no conflicts (2 of 4 stars). 3 submissions from 3 submitters: Uncertain significance (3). Last evaluated 2023-12-23.

Conditions:
Haddad syndrome (OHD). Also called: Ondine-Hirschsprung disease. Identifiers: Orphanet 99803, MedGen C1859049, MONDO:0020493.

Submissions (3):

GeneDx
Classification: Uncertain significance. Last evaluated: 2023-12-23. Review status: criteria provided, single submitter. Criteria: GeneDx Variant Classification Process June 2021. Collection method: clinical testing. Allele origin: germline. Affected: yes.
Comment: In-frame deletion of one amino acid in a non-repeat region; Has not been previously published as pathogenic or benign to our knowledge; Not observed at significant frequency in large population cohorts (gnomAD)

Revvity Omics, Revvity
Classification: Uncertain significance. Last evaluated: 2022-06-08. Review status: criteria provided, single submitter. Criteria: ACMG Guidelines, 2015. Collection method: clinical testing. Allele origin: germline.

Labcorp Genetics (formerly Invitae), Labcorp
Classification: Uncertain significance for Haddad syndrome. Last evaluated: 2020-03-03. Review status: criteria provided, single submitter. Criteria: Invitae Variant Classification Sherloc (09022015). Collection method: clinical testing. Allele origin: germline.
Comment: In summary, this variant is a novel in-frame duplication with uncertain impact on protein function. It has been classified as a Variant of Uncertain Significance. Experimental studies and prediction algorithms are not available for this variant, and the functional significance of the duplicated amino acid is currently unknown. While this variant is not present in population databases (ExAC), the frequency information is unreliable, as metrics indicate poor data quality at this position in the ExAC database. This variant has not been reported in the literature in individuals with a PHOX2B-related disease. This sequence change inserts 3 nucleotides in exon 3 of the PHOX2B mRNA (c.774_776dupGGC). This leads to the insertion of 1 amino acid residue in the PHOX2B protein (p.Ala260dup) but otherwise preserves the integrity of the reading frame.

NM_003924.4(PHOX2B):c.771GGC[3] (p.Ala260dup)

Genes: PHOX2B (paired like homeobox 2B; minus strand), LOC110011216 (paired like homeobox 2b polyalanine repeat instability region; plus strand). Cytogenetic location: 4p13.
Variant type: Microsatellite.
Coding change: c.771GGC[3] on transcript NM_003924.4 (MANE Select); three copies in a row of the 3-base unit GGC starting at c.771; the reference has two copies in a row; one copy, 3 bases duplicated; also written c.774_776dup.
Protein change: p.Ala260dup; duplicates alanine 260.
Molecular consequence: inframe insertion.
Genome position (GRCh38, 1-based): chr4:41,745,976-41,745,978, GCC duplicated on the plus strand (GGC on the coding strand, the reverse complement: PHOX2B is on the minus strand); duplicating any 3 consecutive bases within chr4:41,745,976-41,745,983 gives the same sequence; the position shown is the placement nearest the transcript's 3' end. VCF-style (leftmost placement, unchanged base first): chr4-41745975-T-TGCC. GRCh37 (hg19) VCF-style: chr4-41747992-T-TGCC.
Other names: c.774_776dup (NM_003924.4, NM_003924.3).
Identifiers: ClinVar variation 467745 (VCV000467745.8), dbSNP rs17886470, ClinGen allele CA551141163.